The following is an entry in ClinVar:

ClinVar aggregate classification (germline): Uncertain significance (1 of 4 stars; one submission).

Conditions:
Autism, susceptibility to, 20. Identifiers: MedGen C5394226, MONDO:0030004, OMIM 618830.

gnomAD v4.1: 13 of 1,613,270 alleles (0.00081%); highest among the groups gnomAD compares: Admixed American, 0.0033%; no homozygotes.

Submission:

Juno Genomics, Hangzhou Juno Genomics, Inc
Classification: Uncertain significance for Autism, susceptibility to, 20. Review status: criteria provided, single submitter. Criteria: ACMG Guidelines, 2015. Collection method: clinical testing. Allele origin: germline.
Comment: Absent from controls (or at extremely low frequency if recessive) in Genome Aggregation Database.;Multiple lines of computational evidence suggest no impact on gene or gene product.;Missense variant in a gene that has a low rate of benign missense variation.;De novo (both maternity and paternity confirmed) in a patient with the disease and no family history.

NM_001365925.2(NLGN1):c.1267G>A (p.Asp423Asn)

Gene: NLGN1 (neuroligin 1; plus strand). Cytogenetic location: 3q26.31.
Variant type: single nucleotide variant.
Coding change: c.1267G>A on transcript NM_001365925.2 (MANE Select); coding-DNA position 1267, G replaced by A.
Protein change: p.Asp423Asn; replaces aspartic acid 423 with asparagine.
Molecular consequence: missense variant.
Genome position (GRCh38, 1-based): chr3:174,279,208, G>A. VCF-style: chr3-174279208-G-A. GRCh37 (hg19) VCF-style: chr3-173996998-G-A.
Other names: c.1267G>A, p.Asp423Asn (NM_001365923.2, NM_001365924.2, NM_001365926.2 and 2 more transcripts); c.1180G>A, p.Asp394Asn (NM_001365936.2, NM_001365934.2, NM_001365935.2); c.1207G>A, p.Asp403Asn (NM_014932.5, NM_001365929.2, NM_001365930.2 and 3 more transcripts); short protein forms D394N, D403N, D423N.
Identifiers: ClinVar variation 5019890 (VCV005019890.2).